The following is an entry in ClinVar:

ClinVar aggregate classification (germline): Likely pathogenic (1 of 4 stars; one submission).

Conditions:
Vici syndrome (VICIS). Identifiers: Orphanet 1493, MedGen C1855772, MONDO:0009452, OMIM 242840.

Submission:

Greenwood Genetic Center Diagnostic Laboratories, Greenwood Genetic Center
Classification: Likely pathogenic for Vici syndrome. Last evaluated: 2024-12-31. Review status: criteria provided, single submitter. Criteria: ACMG Guidelines, 2015. Collection method: clinical testing. Allele origin: germline. Affected: yes.
Comment: PVS1, PM2

NM_020964.3(EPG5):c.2323_2339del (p.Leu775fs)

Gene: EPG5 (ectopic P-granules 5 autophagy tethering factor; minus strand). Cytogenetic location: 18q21.1.
Variant type: Deletion.
Coding change: c.2323_2339del on transcript NM_020964.3 (MANE Select); coding-DNA positions 2323 to 2339, 17 bases deleted (CTTCTGACTACCTTTGC).
Protein change: p.Leu775fs; shifts the reading frame from leucine 775.
Molecular consequence: frameshift variant.
Genome position (GRCh38, 1-based): chr18:45,930,749-45,930,765, GCAAAGGTAGTCAGAAG deleted on the plus strand (CTTCTGACTACCTTTGC on the coding strand, the reverse complement: EPG5 is on the minus strand); deleting any 17 consecutive bases within chr18:45,930,749-45,930,770 gives the same sequence; the c. name uses the placement nearest the transcript's 3' end. VCF-style (leftmost placement, unchanged base first): chr18-45930748-AGCAAAGGTAGTCAGAAG-A. GRCh37 (hg19) VCF-style: chr18-43510714-AGCAAAGGTAGTCAGAAG-A.
Other names: c.2323_2339del, p.Leu775fs (NM_001410858.1, NM_001410859.1); short protein forms L775fs.
Identifiers: ClinVar variation 3765851 (VCV003765851.1).